The following is an entry in ClinVar:

ClinVar aggregate classification (germline): Conflicting classifications of pathogenicity. Review status: criteria provided, conflicting classifications (1 of 4 stars). 2 submissions from 2 submitters: Uncertain significance (1); Benign (1). Last evaluated 2025-02-05.

Conditions:
Ehlers-Danlos syndrome, classic type, 1 (EDSCL1). Also called: EHLERS-DANLOS SYNDROME, GRAVIS TYPE; EHLERS-DANLOS SYNDROME, SEVERE CLASSIC TYPE; Ehlers-Danlos syndrome, type 1; EDS I; Ehlers-Danlos Syndrome, Classic Type, COL5A1-Related. Identifiers: MedGen C0268335, MONDO:0019567, OMIM 130000.

Allele frequency attached by ClinVar (database versions not stated): gnomAD 0.00001; gnomAD exomes 0.00001; TOPMed below 0.00001; ExAC 0.00001.
gnomAD v4.1: 11 of 1,613,814 alleles (0.00068%); highest among the groups gnomAD compares: South Asian, 0.0099%; no homozygotes.

Submissions (2):

Labcorp Genetics (formerly Invitae), Labcorp
Classification: Benign for Ehlers-Danlos syndrome, classic type, 1. Last evaluated: 2025-02-05. Review status: criteria provided, single submitter. Criteria: Invitae Variant Classification Sherloc (09022015). Collection method: clinical testing. Allele origin: germline.

Neuberg Centre For Genomic Medicine, NCGM
Classification: Uncertain significance for Ehlers-Danlos syndrome, classic type, 1. Review status: criteria provided, single submitter. Criteria: ACMG Guidelines, 2015. Collection method: clinical testing. Allele origin: germline. Affected: yes.
Comment: The missense variant p.T378P in COL5A1 (NM_000093.5) has not been reported previously as a pathogenic variant nor as a benign variant, to our knowledge. The missense variant c.1132A>C (p.T378P) in COL5A1 (NM_000093.5) is observed in 2/30614 (0.0065%) alleles from individuals of South Asian background in the gnomAD dataset (Exome Aggregation Consortium et al., 2016), but was not seen in the homozygous state. The variant is damaging by predictions and the residue is conserved across species. For these reasons, this variant has been classified as Uncertain Significance

NM_000093.5(COL5A1):c.1132A>C (p.Thr378Pro)

Gene: COL5A1 (collagen type V alpha 1 chain; plus strand). Cytogenetic location: 9q34.3.
Variant type: single nucleotide variant.
Coding change: c.1132A>C on transcript NM_000093.5 (MANE Select); coding-DNA position 1132, A replaced by C.
Protein change: p.Thr378Pro; replaces threonine 378 with proline.
Molecular consequence: missense variant.
Genome position (GRCh38, 1-based): chr9:134,730,443, A>C. VCF-style: chr9-134730443-A-C. GRCh37 (hg19) VCF-style: chr9-137622289-A-C.
Other names: c.1132A>C, p.Thr378Pro (NM_001278074.1); short protein forms T378P.
Identifiers: ClinVar variation 1339174 (VCV001339174.4), dbSNP rs757379111, ClinGen allele CA5318643.